The following is an entry in ClinVar:

NM_000089.4(COL1A2):c.916A>G (p.Thr306Ala)

Gene: COL1A2 (collagen type I alpha 2 chain; plus strand). Cytogenetic location: 7q21.3.
Variant type: single nucleotide variant.
Coding change: c.916A>G on transcript NM_000089.4 (MANE Select); coding-DNA position 916, A replaced by G.
Protein change: p.Thr306Ala; replaces threonine 306 with alanine.
Molecular consequence: missense variant.
Genome position (GRCh38, 1-based): chr7:94,409,588, A>G. VCF-style: chr7-94409588-A-G. GRCh37 (hg19) VCF-style: chr7-94038900-A-G.
Other names: short protein forms T306A.
Identifiers: ClinVar variation 1766027 (VCV001766027.2), dbSNP rs2484708020, ClinGen allele CA368220778.

ClinVar aggregate classification (germline): Uncertain significance (1 of 4 stars; one submission).

Conditions:
Cardiovascular phenotype. Identifiers: MedGen CN230736.

Allele frequency attached by ClinVar (database versions not stated): gnomAD exomes below 0.00001.
gnomAD v4.1: 1 of 1,614,146 alleles (0.000062%); highest among the groups gnomAD compares: Non-Finnish European, 0.000085%; no homozygotes.

Submission:

Ambry Genetics
Classification: Uncertain significance for Cardiovascular phenotype. Last evaluated: 2019-06-03. Review status: criteria provided, single submitter. Criteria: Ambry Variant Classification Scheme 2023. Collection method: clinical testing. Allele origin: germline.
Comment: The p.T306A variant (also known as c.916A>G), located in coding exon 18 of the COL1A2 gene, results from an A to G substitution at nucleotide position 916. The threonine at codon 306 is replaced by alanine, an amino acid with similar properties. This amino acid position is poorly conserved in available vertebrate species. In addition, this alteration is predicted to be tolerated by in silico analysis. Since supporting evidence is limited at this time, the clinical significance of this alteration remains unclear.